The following is an entry in ClinVar:

ClinVar aggregate classification (germline): Uncertain significance (1 of 4 stars; one submission).

Conditions:
Immunodeficiency 31B. Also called: STAT1 DEFICIENCY, AUTOSOMAL RECESSIVE; IMMUNODEFICIENCY 31B, MYCOBACTERIAL AND VIRAL INFECTIONS, AUTOSOMAL RECESSIVE. Identifiers: Orphanet 391311, MedGen C3151088, MONDO:0013427, OMIM 613796.
Mendelian susceptibility to mycobacterial diseases due to partial STAT1 deficiency. Also called: Immunodeficiency 31a; IMMUNODEFICIENCY 31A, MYCOBACTERIOSIS, AUTOSOMAL DOMINANT; STAT1 DEFICIENCY, AUTOSOMAL DOMINANT. Identifiers: Orphanet 319595, MedGen C4013950, MONDO:0013956, OMIM 614892.
Autoimmune enteropathy and endocrinopathy - susceptibility to chronic infections syndrome. Also called: Immunodeficiency 31C; Immunodeficiency 31C, autosomal dominant. Identifiers: Orphanet 391487, MedGen C3279990, MONDO:0013599, OMIM 614162.

Submission:

Labcorp Genetics (formerly Invitae), Labcorp
Classification: Uncertain significance for Mendelian susceptibility to mycobacterial diseases due to partial STAT1 deficiency; Immunodeficiency 31B; Autoimmune enteropathy and endocrinopathy - susceptibility to chronic infections syndrome. Last evaluated: 2018-01-18. Review status: criteria provided, single submitter. Criteria: Invitae Variant Classification Sherloc (09022015). Collection method: clinical testing. Allele origin: germline.
Comment: In summary, the available evidence is currently insufficient to determine the role of this variant in disease. Therefore, it has been classified as a Variant of Uncertain Significance. Algorithms developed to predict the effect of missense changes on protein structure and function do not agree on the potential impact of this missense change (SIFT: "Deleterious"; PolyPhen-2: "Benign"; Align-GVGD: "Class C0"). This variant has not been reported in the literature in individuals with STAT1-related disease. This variant is not present in population databases (ExAC no frequency). This sequence change replaces leucine with valine at codon 433 of the STAT1 protein (p.Leu433Val). The leucine residue is moderately conserved and there is a small physicochemical difference between leucine and valine.

NM_007315.4(STAT1):c.1297C>G (p.Leu433Val)

Gene: STAT1 (signal transducer and activator of transcription 1; minus strand). Cytogenetic location: 2q32.2.
Variant type: single nucleotide variant.
Coding change: c.1297C>G on transcript NM_007315.4 (MANE Select); coding-DNA position 1297, C replaced by G.
Protein change: p.Leu433Val; replaces leucine 433 with valine.
Molecular consequence: missense variant.
Genome position (GRCh38, 1-based): chr2:190,984,360, G>C on the plus strand (C>G on the coding strand, the complement: STAT1 is on the minus strand). VCF-style: chr2-190984360-G-C. GRCh37 (hg19) VCF-style: chr2-191849086-G-C.
Other names: c.1237C>G, p.Leu413Val (NM_001384880.1); c.1303C>G, p.Leu435Val (NM_001384881.1, NM_001384884.1); c.1291C>G, p.Leu431Val (NM_001384882.1); c.1198C>G, p.Leu400Val (NM_001384883.1); c.1138C>G, p.Leu380Val (NM_001384885.1); c.1297C>G, p.Leu433Val (NM_001384886.1, NM_001384889.1, NM_139266.3); c.1204C>G, p.Leu402Val (NM_001384887.1); c.1267C>G, p.Leu423Val (NM_001384888.1); and 2 more; short protein forms L433V, L380V, L400V, L402V, L403V, L413V, L423V, L431V.
Identifiers: ClinVar variation 579737 (VCV000579737.8), dbSNP rs1181214715, ClinGen allele CA349917873.